The following is an entry in ClinVar:

ClinVar aggregate classification (germline): Uncertain significance (1 of 4 stars; one submission).

gnomAD v4.1: 2 of 1,613,898 alleles (0.00012%); highest among the groups gnomAD compares: Non-Finnish European, 0.00017%; no homozygotes.

Submission:

GeneDx
Classification: Uncertain significance. Last evaluated: 2019-12-18. Review status: criteria provided, single submitter. Criteria: GeneDx Variant Classification Process June 2021. Collection method: clinical testing. Allele origin: germline. Affected: yes.
Comment: Has not been previously published as pathogenic or benign to our knowledge; Not observed in large population cohorts (Lek et al., 2016); In silico analysis, which includes protein predictors and evolutionary conservation, supports a deleterious effect

NM_014846.4(WASHC5):c.26A>T (p.Asn9Ile)

Gene: WASHC5 (WASH complex subunit 5; minus strand). Cytogenetic location: 8q24.13.
Variant type: single nucleotide variant.
Coding change: c.26A>T on transcript NM_014846.4 (MANE Select); coding-DNA position 26, A replaced by T.
Protein change: p.Asn9Ile; replaces asparagine 9 with isoleucine.
Molecular consequence: missense variant. On other transcripts: intron variant (1).
Genome position (GRCh38, 1-based): chr8:125,083,873, T>A on the plus strand (A>T on the coding strand, the complement: WASHC5 is on the minus strand). VCF-style: chr8-125083873-T-A. GRCh37 (hg19) VCF-style: chr8-126096115-T-A.
Other names: c.-258-615A>T (NM_001330609.2); short protein forms N9I.
Identifiers: ClinVar variation 1310406 (VCV001310406.2), dbSNP rs781756466, ClinGen allele CA372268684.